The following is an entry in ClinVar:

ClinVar aggregate classification (germline): Pathogenic/Likely pathogenic. Review status: criteria provided, multiple submitters, no conflicts (2 of 4 stars). 4 submissions from 4 submitters: Pathogenic (1); Likely pathogenic (2). 1 of the submissions does not count toward it. Last evaluated 2024-10-04.

Conditions:
Apparent mineralocorticoid excess (AME). Also called: CORTISOL 11-BETA-KETOREDUCTASE DEFICIENCY. Identifiers: Orphanet 320, MedGen C0342488, MONDO:0009025, OMIM 218030.

Allele frequency attached by ClinVar (database versions not stated): ExAC 0.00001; gnomAD 0.00001; gnomAD exomes 0.00001 and 0.00002; TOPMed 0.00002.
gnomAD v4.1: 7 of 1,613,936 alleles (0.00043%); highest among the groups gnomAD compares: Admixed American, 0.0033%; no homozygotes.

Submissions (4):

Dubai Health Genomic Medicine Center, Dubai Health
Classification: Likely pathogenic for Apparent mineralocorticoid excess. Last evaluated: 2024-10-04. Review status: criteria provided, single submitter. Criteria: ACMG Guidelines, 2015. Collection method: research. Allele origin: germline. Affected: yes.
Comment: PM3, PM2, PS3, PM5

Fulgent Genetics
Classification: Pathogenic for Apparent mineralocorticoid excess. Last evaluated: 2024-05-06. Review status: criteria provided, single submitter. Criteria: ACMG Guidelines, 2015. Collection method: clinical testing. Allele origin: germline.

Labcorp Genetics (formerly Invitae), Labcorp
Classification: Likely pathogenic. Last evaluated: 2024-04-07. Review status: criteria provided, single submitter. Criteria: Invitae Variant Classification Sherloc (09022015). Collection method: clinical testing. Allele origin: germline.
Comment: This sequence change replaces arginine, which is basic and polar, with histidine, which is basic and polar, at codon 208 of the HSD11B2 protein (p.Arg208His). This variant is present in population databases (rs28934592, gnomAD 0.007%). This missense change has been observed in individual(s) with apparent mineralocorticoid excess (PMID: 9398712, 10523339). In at least one individual the data is consistent with being in trans (on the opposite chromosome) from a pathogenic variant. ClinVar contains an entry for this variant (Variation ID: 12096). An algorithm developed to predict the effect of missense changes on protein structure and function (PolyPhen-2) suggests that this variant is likely to be tolerated. Experimental studies have shown that this missense change affects HSD11B2 function (PMID: 9398712, 10523339). This variant disrupts the p.Arg208 amino acid residue in HSD11B2. Other variant(s) that disrupt this residue have been observed in individuals with HSD11B2-related conditions (PMID: 23329753, 29229831), which suggests that this may be a clinically significant amino acid residue. In summary, the currently available evidence indicates that the variant is pathogenic, but additional data are needed to prove that conclusively. Therefore, this variant has been classified as Likely Pathogenic.

OMIM
Classification: Pathogenic for APPARENT MINERALOCORTICOID EXCESS. Last evaluated: 1997-12-01. Review status: no assertion criteria provided. Collection method: literature only. Allele origin: germline. Not counted in ClinVar's aggregate classification.

Literature cited by the submitters: PubMed 9398712 (cited by Labcorp Genetics (formerly Invitae), Labcorp and OMIM); PubMed 10523339 (cited by Labcorp Genetics (formerly Invitae), Labcorp); PubMed 23329753 (cited by Labcorp Genetics (formerly Invitae), Labcorp); PubMed 29229831 (cited by Labcorp Genetics (formerly Invitae), Labcorp).

NM_000196.4(HSD11B2):c.623G>A (p.Arg208His)

Gene: HSD11B2 (hydroxysteroid 11-beta dehydrogenase 2; plus strand). Cytogenetic location: 16q22.1.
Variant type: single nucleotide variant.
Coding change: c.623G>A on transcript NM_000196.4 (MANE Select); coding-DNA position 623, G replaced by A.
Protein change: p.Arg208His; replaces arginine 208 with histidine.
Molecular consequence: missense variant.
Genome position (GRCh38, 1-based): chr16:67,436,101, G>A. VCF-style: chr16-67436101-G-A. GRCh37 (hg19) VCF-style: chr16-67470004-G-A.
Other names: short protein forms R208H.
Identifiers: ClinVar variation 12096 (VCV000012096.8), dbSNP rs28934592, ClinGen allele CA121882.
Genomic context (GRCh38, chr16:67,436,101, plus strand): 5'-GCATGGAGGTGAATTTCTTTGGCGCGCTCGAGCTGACCAAGGGCCTCCTGCCCCTGCTGC[G>A]CAGCTCAAGGGGCCGCATCGTGACTGTGGGGAGCCCAGCGGGTGAGTGCCCCCCCCCACT-3'
Protein context (NP_000187.3, residues 198-218): ELTKGLLPLL[Arg208His]SSRGRIVTVG